The following is an entry in ClinVar:

ClinVar aggregate classification (germline): Uncertain significance (1 of 4 stars; one submission).

Submission:

Women's Health and Genetics/Laboratory Corporation of America, LabCorp
Classification: Uncertain significance. Last evaluated: 2026-03-09. Review status: criteria provided, single submitter. Criteria: LabCorp Variant Classification Summary - May 2015. Collection method: clinical testing. Allele origin: germline.
Comment: Variant summary: COL1A2 c.3714T>C (p.Phe1238Phe) alters a conserved nucleotide located close to a canonical splice site and therefore could affect mRNA splicing, leading to a significantly altered protein sequence. Consensus agreement among computation tools predict no significant impact on normal splicing. However, these predictions have yet to be confirmed by functional studies. The variant was absent in 250932 control chromosomes. The available data on variant occurrences in the general population are insufficient to allow any conclusion about variant significance. To our knowledge, no occurrence of c.3714T>C in individuals affected with COL1A2-related conditions and no experimental evidence demonstrating its impact on protein function have been reported. No submitters have cited clinical-significance assessments for this variant to ClinVar. Based on the evidence outlined above, the variant was classified as uncertain significance.

NM_000089.4(COL1A2):c.3714T>C (p.Phe1238=)

Gene: COL1A2 (collagen type I alpha 2 chain; plus strand). Cytogenetic location: 7q21.3.
Variant type: single nucleotide variant.
Coding change: c.3714T>C on transcript NM_000089.4 (MANE Select); coding-DNA position 3714, T replaced by C.
Protein change: p.Phe1238=; no amino-acid change (phenylalanine 1238 retained).
Molecular consequence: synonymous variant.
Genome position (GRCh38, 1-based): chr7:94,429,190, T>C. VCF-style: chr7-94429190-T-C. GRCh37 (hg19) VCF-style: chr7-94058502-T-C.
Identifiers: ClinVar variation 4847381 (VCV004847381.1).